The following is an entry in ClinVar:

NM_014915.3(ANKRD26):c.5101G>A (p.Val1701Ile)

Gene: ANKRD26 (ankyrin repeat domain 26; minus strand). Cytogenetic location: 10p12.1.
Variant type: single nucleotide variant.
Coding change: c.5101G>A on transcript NM_014915.3 (MANE Select); coding-DNA position 5101, G replaced by A.
Protein change: p.Val1701Ile; replaces valine 1701 with isoleucine.
Molecular consequence: missense variant.
Genome position (GRCh38, 1-based): chr10:27,005,622, C>T on the plus strand (G>A on the coding strand, the complement: ANKRD26 is on the minus strand). VCF-style: chr10-27005622-C-T. GRCh37 (hg19) VCF-style: chr10-27294551-C-T.
Other names: c.5098G>A, p.Val1700Ile (NM_001256053.2); short protein forms V1700I, V1701I.
Identifiers: ClinVar variation 2465692 (VCV002465692.8), dbSNP rs749269058, ClinGen allele CA204422120.

ClinVar aggregate classification (germline): Uncertain significance. Review status: criteria provided, multiple submitters, no conflicts (2 of 4 stars). 3 submissions from 3 submitters: Uncertain significance (3). Last evaluated 2025-04-14.

Conditions:
Inborn genetic diseases. Identifiers: MedGen C0950123, MeSH D030342.

Submissions (3):

Ambry Genetics
Classification: Uncertain significance for Inborn genetic diseases. Last evaluated: 2025-04-14. Review status: criteria provided, single submitter. Criteria: Ambry Variant Classification Scheme 2023. Collection method: clinical testing. Allele origin: germline.

GeneDx
Classification: Uncertain significance. Last evaluated: 2024-05-14. Review status: criteria provided, single submitter. Criteria: GeneDx Variant Classification Process June 2021. Collection method: clinical testing. Allele origin: germline. Affected: yes.
Comment: Not observed at significant frequency in large population cohorts (gnomAD); In silico analysis supports that this missense variant does not alter protein structure/function; Has not been previously published as pathogenic or benign to our knowledge

Labcorp Genetics (formerly Invitae), Labcorp
Classification: Uncertain significance. Last evaluated: 2023-06-04. Review status: criteria provided, single submitter. Criteria: Invitae Variant Classification Sherloc (09022015). Collection method: clinical testing. Allele origin: germline.
Comment: This sequence change replaces valine, which is neutral and non-polar, with isoleucine, which is neutral and non-polar, at codon 1701 of the ANKRD26 protein (p.Val1701Ile). In summary, the available evidence is currently insufficient to determine the role of this variant in disease. Therefore, it has been classified as a Variant of Uncertain Significance. Algorithms developed to predict the effect of missense changes on protein structure and function output the following: SIFT: "Not Available"; PolyPhen-2: "Benign"; Align-GVGD: "Not Available". The isoleucine amino acid residue is found in multiple mammalian species, which suggests that this missense change does not adversely affect protein function. ClinVar contains an entry for this variant (Variation ID: 2465692). This variant has not been reported in the literature in individuals affected with ANKRD26-related conditions. This variant is present in population databases (rs749269058, gnomAD 0.003%).